The following is an entry in ClinVar:

NM_139321.3(ATRN):c.3091G>T (p.Ala1031Ser)

Gene: ATRN (attractin; plus strand). Cytogenetic location: 20p13.
Variant type: single nucleotide variant.
Coding change: c.3091G>T on transcript NM_139321.3 (MANE Select); coding-DNA position 3091, G replaced by T.
Protein change: p.Ala1031Ser; replaces alanine 1031 with serine.
Molecular consequence: missense variant.
Genome position (GRCh38, 1-based): chr20:3,584,787, G>T. VCF-style: chr20-3584787-G-T. GRCh37 (hg19) VCF-style: chr20-3565434-G-T.
Other names: c.2743G>T, p.Ala915Ser (NM_001207047.3); c.3091G>T, p.Ala1031Ser (NM_001323332.2, NM_139322.4); short protein forms A915S, A1031S.
Identifiers: ClinVar variation 4718446 (VCV004718446.1).

ClinVar aggregate classification (germline): Uncertain significance (1 of 4 stars; one submission).

gnomAD v4.1: 1 of 1,614,196 alleles (0.000062%); highest among the groups gnomAD compares: African/African-American, 0.0013%; no homozygotes.

Submission:

Labcorp Genetics (formerly Invitae), Labcorp
Classification: Uncertain significance. Last evaluated: 2025-06-12. Review status: criteria provided, single submitter. Criteria: Invitae Variant Classification Sherloc (09022015). Collection method: clinical testing. Allele origin: germline.
Comment: This sequence change replaces alanine, which is neutral and non-polar, with serine, which is neutral and polar, at codon 1031 of the ATRN protein (p.Ala1031Ser). This variant is not present in population databases (gnomAD no frequency). This variant has not been reported in the literature in individuals affected with ATRN-related conditions. An algorithm developed to predict the effect of missense changes on protein structure and function outputs the following: PolyPhen-2: "Benign". The serine amino acid residue is found in multiple mammalian species, which suggests that this missense change does not adversely affect protein function. In summary, the available evidence is currently insufficient to determine the role of this variant in disease. Therefore, it has been classified as a Variant of Uncertain Significance.